The following is an entry in ClinVar:

NM_004304.5(ALK):c.2730G>T (p.Met910Ile)

Gene: ALK (ALK receptor tyrosine kinase; minus strand). Cytogenetic location: 2p23.2.
Variant type: single nucleotide variant.
Coding change: c.2730G>T on transcript NM_004304.5 (MANE Select); coding-DNA position 2730, G replaced by T.
Protein change: p.Met910Ile; replaces methionine 910 with isoleucine.
Molecular consequence: missense variant.
Genome position (GRCh38, 1-based): chr2:29,228,969, C>A on the plus strand (G>T on the coding strand, the complement: ALK is on the minus strand). VCF-style: chr2-29228969-C-A. GRCh37 (hg19) VCF-style: chr2-29451835-C-A.
Other names: short protein forms M910I.
Identifiers: ClinVar variation 4271386 (VCV004271386.1).
Genomic context (GRCh38, chr2:29,228,969, plus strand): 5'-TGAGGAGCACCCCCCTCCACCCCCTCCGAAACCCCCTCTTGTCTCCCACCCCCACTTCTT[C>A]ATGGCCTGGGGGCAGGAATGTCCTCCGGTGGCACCCTCCTGCAAAGATTTTCCGGCCCAG-3'
Protein context (NP_004295.2, residues 900-920): ATGGHSCPQA[Met910Ile]KKWGWETRGG

ClinVar aggregate classification (germline): Uncertain significance (1 of 4 stars; one submission).

Conditions:
Hereditary cancer-predisposing syndrome. Also called: Hereditary Cancer Syndrome; Hereditary neoplastic syndrome; Neoplastic Syndromes, Hereditary; Tumor predisposition. Identifiers: Orphanet 140162, MedGen C0027672, MeSH D009386, MONDO:0015356.

Submission:

Ambry Genetics
Classification: Uncertain significance for Hereditary cancer-predisposing syndrome. Last evaluated: 2025-08-02. Review status: criteria provided, single submitter. Criteria: Ambry Variant Classification Scheme 2023. Collection method: clinical testing. Allele origin: germline.
Comment: The p.M910I variant (also known as c.2730G>T), located in coding exon 16 of the ALK gene, results from a G to T substitution at nucleotide position 2730. The methionine at codon 910 is replaced by isoleucine, an amino acid with highly similar properties. This amino acid position is conserved. In addition, this alteration is predicted to be tolerated by in silico analysis. Based on the available evidence, the clinical significance of this variant remains unclear.